The following is an entry in ClinVar:

NM_030973.4(MED25):c.908-6C>A

Gene: MED25 (mediator complex subunit 25; plus strand). Cytogenetic location: 19q13.33.
Variant type: single nucleotide variant.
Coding change: c.908-6C>A on transcript NM_030973.4 (MANE Select); 6 bases into the intron before coding-DNA position 908, C replaced by A.
Molecular consequence: intron variant.
Genome position (GRCh38, 1-based): chr19:49,830,688, C>A. VCF-style: chr19-49830688-C-A. GRCh37 (hg19) VCF-style: chr19-50333945-C-A.
Other names: c.908-6C>A (NM_001378355.1).
Identifiers: ClinVar variation 1971627 (VCV001971627.29), dbSNP rs1052081280, ClinGen allele CA9585089.

ClinVar aggregate classification (germline): Likely benign. Review status: criteria provided, multiple submitters, no conflicts (2 of 4 stars). 2 submissions from 2 submitters: Likely benign (2). Last evaluated 2022-09-01.

Conditions:
Charcot-Marie-Tooth disease type 2. Also called: Charcot-Marie-Tooth type 2. Identifiers: Orphanet 64746, MedGen C0270914, MONDO:0018993.

Allele frequency attached by ClinVar (database versions not stated): TOPMed 0.00001; ExAC 0.00002; gnomAD 0.00002.
gnomAD v4.1: 67 of 1,613,954 alleles (0.0042%); highest among the groups gnomAD compares: Non-Finnish European, 0.0056%; no homozygotes.

Submissions (2):

CeGaT Center for Human Genetics Tuebingen
Classification: Likely benign. Last evaluated: 2022-09-01. Review status: criteria provided, single submitter. Criteria: CeGaT Center For Human Genetics Tuebingen Variant Classification Criteria Version 2. Collection method: clinical testing. Allele origin: germline. Affected: yes. Observed: 1 variant allele.
Comment: MED25: BP4

Labcorp Genetics (formerly Invitae), Labcorp
Classification: Likely benign for Charcot-Marie-Tooth disease type 2. Last evaluated: 2022-05-09. Review status: criteria provided, single submitter. Criteria: Invitae Variant Classification Sherloc (09022015). Collection method: clinical testing. Allele origin: germline.